The following is an entry in ClinVar:

ClinVar aggregate classification (germline): Likely benign (0 of 4 stars; one submission).

Conditions:
FRAS1-related disorder. Also called: FRAS1-related condition.

Allele frequency attached by ClinVar (database versions not stated): gnomAD exomes 0.00001; TOPMed 0.00002.
gnomAD v4.1: 8 of 1,610,780 alleles (0.0005%); highest among the groups gnomAD compares: Non-Finnish European, 0.00059%; no homozygotes.

Submission:

PreventionGenetics, part of Exact Sciences
Classification: Likely benign for FRAS1-related condition. Last evaluated: 2019-11-25. Review status: no assertion criteria provided. Collection method: clinical testing. Allele origin: germline.
Comment: This variant is classified as likely benign based on ACMG/AMP sequence variant interpretation guidelines (Richards et al. 2015 PMID: 25741868, with internal and published modifications).

NM_025074.7(FRAS1):c.1534+4A>G

Gene: FRAS1 (Fraser extracellular matrix complex subunit 1; plus strand). Cytogenetic location: 4q21.21.
Variant type: single nucleotide variant.
Coding change: c.1534+4A>G on transcript NM_025074.7 (MANE Select); 4 bases into the intron after coding-DNA position 1534, A replaced by G.
Molecular consequence: intron variant.
Genome position (GRCh38, 1-based): chr4:78,286,543, A>G. VCF-style: chr4-78286543-A-G. GRCh37 (hg19) VCF-style: chr4-79207697-A-G.
Other names: c.1534+4A>G (NM_001166133.2).
Identifiers: ClinVar variation 3049017 (VCV003049017.2), dbSNP rs1231665852, ClinGen allele CA798736399.